The following is an entry in ClinVar:

NM_021074.5(NDUFV2):c.301-25A>G

Genes: NDUFV2 (NADH:ubiquinone oxidoreductase core subunit V2; plus strand), NDUFV2-AS1 (NDUFV2 antisense RNA 1; minus strand). Cytogenetic location: 18p11.22.
Variant type: single nucleotide variant.
Coding change: c.301-25A>G on transcript NM_021074.5 (MANE Select); 25 bases into the intron before coding-DNA position 301, A replaced by G.
Molecular consequence: intron variant.
Genome position (GRCh38, 1-based): chr18:9,122,488, A>G. VCF-style: chr18-9122488-A-G. GRCh37 (hg19) VCF-style: chr18-9122486-A-G.
Identifiers: ClinVar variation 676088 (VCV000676088.1), dbSNP rs533760531, ClinGen allele CA8887181.

ClinVar aggregate classification (germline): Likely benign (1 of 4 stars; one submission).

Allele frequency attached by ClinVar (database versions not stated): gnomAD 0.00001 and 0.00039; TOPMed 0.00007; gnomAD exomes 0.00072 and 0.00150; ExAC 0.00171; 1000 Genomes Project 30x 0.00234; 1000 Genomes Project 0.00300.
gnomAD v4.1: 1,085 of 1,573,744 alleles (0.069%); highest among the groups gnomAD compares: South Asian, 1.1%; 13 homozygotes.

Submission:

GeneDx
Classification: Likely benign. Last evaluated: 2018-06-14. Review status: criteria provided, single submitter. Criteria: GeneDx Variant Classification (06012015). Collection method: clinical testing. Allele origin: germline. Affected: yes.
Comment: This variant is considered likely benign or benign based on one or more of the following criteria: it is a conservative change, it occurs at a poorly conserved position in the protein, it is predicted to be benign by multiple in silico algorithms, and/or has population frequency not consistent with disease.